The following is an entry in ClinVar:

NM_001375567.1(FOCAD):c.3001A>G (p.Met1001Val)

Gene: FOCAD (focadhesin; plus strand). Cytogenetic location: 9p21.3.
Variant type: single nucleotide variant.
Coding change: c.3001A>G on transcript NM_001375567.1 (MANE Select); coding-DNA position 3001, A replaced by G.
Protein change: p.Met1001Val; replaces methionine 1001 with valine.
Molecular consequence: missense variant.
Genome position (GRCh38, 1-based): chr9:20,926,340, A>G. VCF-style: chr9-20926340-A-G. GRCh37 (hg19) VCF-style: chr9-20926339-A-G.
Other names: c.2896A>G, p.Met966Val (NM_001375568.1, NM_001375570.1); c.3001A>G, p.Met1001Val (NM_017794.5); short protein forms M966V, M1001V.
Identifiers: ClinVar variation 3641942 (VCV003641942.2).

ClinVar aggregate classification (germline): Uncertain significance (1 of 4 stars; one submission).

Submission:

Labcorp Genetics (formerly Invitae), Labcorp
Classification: Uncertain significance. Last evaluated: 2024-02-19. Review status: criteria provided, single submitter. Criteria: Invitae Variant Classification Sherloc (09022015). Collection method: clinical testing. Allele origin: germline.
Comment: This sequence change replaces methionine, which is neutral and non-polar, with valine, which is neutral and non-polar, at codon 1001 of the FOCAD protein (p.Met1001Val). This variant is present in population databases (rs769381927, gnomAD 0.003%). This variant has not been reported in the literature in individuals affected with FOCAD-related conditions. Experimental studies and prediction algorithms are not available or were not evaluated, and the functional significance of this variant is currently unknown. In summary, the available evidence is currently insufficient to determine the role of this variant in disease. Therefore, it has been classified as a Variant of Uncertain Significance.